The following is an entry in ClinVar:

ClinVar aggregate classification (germline): Pathogenic. Review status: criteria provided, single submitter (1 of 4 stars). 2 submissions from 2 submitters: Pathogenic (1). 1 of the submissions does not count toward it. Last evaluated 2025-04-11.

Conditions:
Primary pulmonary hypertension. Also called: Idiopathic pulmonary hypertension. Identifiers: MedGen C0152171.
Pulmonary hypertension, primary, 1 (PPH1). Also called: Pulmonary hypertension, familial primary, 1, with or without HHT. Identifiers: Orphanet 422, MedGen C4552070, MONDO:0024533, OMIM 178600.

Submissions (2):

Labcorp Genetics (formerly Invitae), Labcorp
Classification: Pathogenic for Primary pulmonary hypertension. Last evaluated: 2025-04-11. Review status: criteria provided, single submitter. Criteria: Invitae Variant Classification Sherloc (09022015). Collection method: clinical testing. Allele origin: germline.
Comment: This sequence change replaces cysteine, which is neutral and slightly polar, with tyrosine, which is neutral and polar, at codon 99 of the BMPR2 protein (p.Cys99Tyr). This variant is not present in population databases (gnomAD no frequency). This missense change has been observed in individuals with pulmonary artery hypertension (PMID: 19555857, 30578397; internal data). ClinVar contains an entry for this variant (Variation ID: 425754). Invitae Evidence Modeling incorporating data from in vitro experimental studies (internal data) indicates that this missense variant is expected to disrupt BMPR2 function with a positive predictive value of 95%. This variant disrupts the p.Cys99 amino acid residue in BMPR2. Other variant(s) that disrupt this residue have been observed in individuals with BMPR2-related conditions (PMID: 19555857, 29631995), which suggests that this may be a clinically significant amino acid residue. For these reasons, this variant has been classified as Pathogenic.

Rare Disease Genomics Group, St George's University of London
Classification: Pathogenic for Primary pulmonary hypertension. Review status: no assertion criteria provided. Collection method: literature only. Allele origin: germline. Affected: yes. Not counted in ClinVar's aggregate classification.

Literature cited by the submitters: PubMed 19555857 (cited by Labcorp Genetics (formerly Invitae), Labcorp and Rare Disease Genomics Group, St George's University of London); PubMed 30578397 (cited by Labcorp Genetics (formerly Invitae), Labcorp); PubMed 29631995 (cited by Labcorp Genetics (formerly Invitae), Labcorp).

NM_001204.7(BMPR2):c.296G>A (p.Cys99Tyr)

Gene: BMPR2 (bone morphogenetic protein receptor type 2; plus strand). Cytogenetic location: 2q33.1.
Variant type: single nucleotide variant.
Coding change: c.296G>A on transcript NM_001204.7 (MANE Select); coding-DNA position 296, G replaced by A.
Protein change: p.Cys99Tyr; replaces cysteine 99 with tyrosine.
Molecular consequence: missense variant.
Genome position (GRCh38, 1-based): chr2:202,467,567, G>A. VCF-style: chr2-202467567-G-A. GRCh37 (hg19) VCF-style: chr2-203332290-G-A.
Other names: c.296G>A (LRG_712t1); short protein forms C99Y.
Identifiers: ClinVar variation 425754 (VCV000425754.10), dbSNP rs1085307205, ClinGen allele CA350399616.